The following is an entry in ClinVar:

NM_000147.5(FUCA1):c.525-3A>G

Gene: FUCA1 (alpha-L-fucosidase 1; minus strand). Cytogenetic location: 1p36.11.
Variant type: single nucleotide variant.
Coding change: c.525-3A>G on transcript NM_000147.5 (MANE Select); 3 bases into the intron before coding-DNA position 525, A replaced by G.
Molecular consequence: intron variant.
Genome position (GRCh38, 1-based): chr1:23,863,274, T>C on the plus strand (A>G on the coding strand, the complement: FUCA1 is on the minus strand). VCF-style: chr1-23863274-T-C. GRCh37 (hg19) VCF-style: chr1-24189764-T-C.
Identifiers: ClinVar variation 1382807 (VCV001382807.3), dbSNP rs766757100, ClinGen allele CA686507.

ClinVar aggregate classification (germline): Uncertain significance (1 of 4 stars; one submission).

Conditions:
Fucosidosis. Also called: ALPHA-L-FUCOSIDASE DEFICIENCY. Identifiers: Orphanet 349, MedGen C0016788, MONDO:0009254, OMIM 230000.

Allele frequency attached by ClinVar (database versions not stated): gnomAD exomes below 0.00001 and 0.00001; ExAC 0.00001; TOPMed 0.00004.
gnomAD v4.1: 5 of 1,612,380 alleles (0.00031%); highest among the groups gnomAD compares: East Asian, 0.011%; no homozygotes.

Submission:

Labcorp Genetics (formerly Invitae), Labcorp
Classification: Uncertain significance for Fucosidosis. Last evaluated: 2021-05-27. Review status: criteria provided, single submitter. Criteria: Invitae Variant Classification Sherloc (09022015). Collection method: clinical testing. Allele origin: germline.
Comment: This sequence change falls in intron 2 of the FUCA1 gene. It does not directly change the encoded amino acid sequence of the FUCA1 protein. It affects a nucleotide within the consensus splice site of the intron. This variant is present in population databases (rs766757100, ExAC 0.01%). This variant has not been reported in the literature in individuals with FUCA1-related conditions. Nucleotide substitutions within the consensus splice site are a relatively common cause of aberrant splicing (PMID: 17576681, 9536098). Algorithms developed to predict the effect of sequence changes on RNA splicing suggest that this variant may disrupt the consensus splice site, but this prediction has not been confirmed by published transcriptional studies. In summary, the available evidence is currently insufficient to determine the role of this variant in disease. Therefore, it has been classified as a Variant of Uncertain Significance.

Literature cited by the submitters: PubMed 17576681; PubMed 9536098.